The following is an entry in ClinVar:

NM_001082486.2(ACD):c.1370C>T (p.Pro457Leu)

Gene: ACD (ACD shelterin complex subunit and telomerase recruitment factor; minus strand). Cytogenetic location: 16q22.1.
Variant type: single nucleotide variant.
Coding change: c.1370C>T on transcript NM_001082486.2 (MANE Select); coding-DNA position 1370, C replaced by T.
Protein change: p.Pro457Leu; replaces proline 457 with leucine.
Molecular consequence: missense variant.
Genome position (GRCh38, 1-based): chr16:67,657,613, G>A on the plus strand (C>T on the coding strand, the complement: ACD is on the minus strand). VCF-style: chr16-67657613-G-A. GRCh37 (hg19) VCF-style: chr16-67691516-G-A.
Other names: c.1361C>T, p.Pro454Leu (NM_022914.3); c.1628C>T (NM_001082486.1); short protein forms P454L, P457L.
Identifiers: ClinVar variation 1337912 (VCV001337912.12), dbSNP rs150387011, ClinGen allele CA8114354.
Genomic context (GRCh38, chr16:67,657,613, plus strand): 5'-TAAAAAACTCAAAGGAAGCAGAGTGTGGAGCGGTATCTGTCCTGCGTGACGTCTCACATC[G>A]GAGTTGGCTCAGACCCTGGCTGTGCATCCATCAGAAAGTGCAAGGCCCAGGCCATGAGCT-3'
Protein context (NP_001075955.2, residues 447-458): MDAQPGSEPT[Pro457Leu]M

ClinVar aggregate classification (germline): Uncertain significance. Review status: criteria provided, multiple submitters, no conflicts (2 of 4 stars). 5 submissions from 5 submitters: Uncertain significance (5). Last evaluated 2026-01-20.

Conditions:
Inborn genetic diseases. Identifiers: MedGen C0950123, MeSH D030342.
Dyskeratosis congenita, autosomal dominant 6 (DKCA6). Identifiers: Orphanet 3322, MedGen C4225284, MONDO:0014690, OMIM 616553.

Allele frequency attached by ClinVar (database versions not stated): ESP Exome Variant Server 0.00031; gnomAD 0.00002 and 0.00004; gnomAD exomes 0.00004 and 0.00005; TOPMed 0.00004; ExAC 0.00006; 1000 Genomes Project 30x 0.00016; 1000 Genomes Project 0.00020.

Submissions (5):

Labcorp Genetics (formerly Invitae), Labcorp
Classification: Uncertain significance for Dyskeratosis congenita, autosomal dominant 6. Last evaluated: 2026-01-20. Review status: criteria provided, single submitter. Criteria: Invitae Variant Classification Sherloc (09022015). Collection method: clinical testing. Allele origin: germline.
Comment: This sequence change replaces proline, which is neutral and non-polar, with leucine, which is neutral and non-polar, at codon 543 of the ACD protein (p.Pro543Leu). This variant is present in population databases (rs150387011, gnomAD 0.008%). This variant has not been reported in the literature in individuals affected with ACD-related conditions. ClinVar contains an entry for this variant (Variation ID: 1337912). An algorithm developed to predict the effect of missense changes on protein structure and function (PolyPhen-2) suggests that this variant is likely to be tolerated. In summary, the available evidence is currently insufficient to determine the role of this variant in disease. Therefore, it has been classified as a Variant of Uncertain Significance.

Center for Genomic Medicine, Rigshospitalet, Copenhagen University Hospital
Classification: Uncertain significance. Last evaluated: 2025-03-04. Review status: criteria provided, single submitter. Criteria: ACMG Guidelines, 2015. Collection method: clinical testing. Allele origin: germline.

ARUP Laboratories, Molecular Genetics and Genomics, ARUP Laboratories
Classification: Uncertain significance. Last evaluated: 2024-08-01. Review status: criteria provided, single submitter. Criteria: ARUP Molecular Germline Variant Investigation Process 2024. Collection method: clinical testing. Allele origin: germline.
Comment: The ACD c.1370C>T; p.Pro457Leu variant (rs150387011), to our knowledge, is not reported in the medical literature but is reported in ClinVar (Variation ID: 1337912). This variant is found in the general population with an overall allele frequency of 0.0042% (12/282762 alleles) in the Genome Aggregation Database (v2.1.1). Computational analyses predict that this variant is neutral (REVEL: 0.019). Due to limited information, the clinical significance of this variant is uncertain at this time.

Ambry Genetics
Classification: Uncertain significance for Inborn genetic diseases. Last evaluated: 2021-08-02. Review status: criteria provided, single submitter. Criteria: Ambry Variant Classification Scheme 2023. Collection method: clinical testing. Allele origin: germline.
Comment: The p.P543L variant (also known as c.1628C>T), located in coding exon 12 of the ACD gene, results from a C to T substitution at nucleotide position 1628. The proline at codon 543 is replaced by leucine, an amino acid with similar properties. This amino acid position is conserved. In addition, this alteration is predicted to be tolerated by in silico analysis. Since supporting evidence is limited at this time, the clinical significance of this alteration remains unclear.

Genetic Services Laboratory, University of Chicago
Classification: Uncertain significance. Last evaluated: 2021-04-16. Review status: criteria provided, single submitter. Criteria: ACMG Guidelines, 2015. Collection method: clinical testing. Allele origin: germline. Affected: no.
Comment: DNA sequence analysis of the ACD gene demonstrated a sequence change, c.1370C>T, in exon 12 that results in an amino acid change, p.Pro457Leu. This sequence change has been described in gnomAD with a frequency of 0.012% in the African sub-population (dbSNP rs150387011). The p.Pro457Leu change affects a poorly conserved amino acid residue located in a domain of the ACD protein that is not known to be functional. The p.Pro457Leu substitution appears to be benign using several in-silico pathogenicity prediction tools (SIFT, PolyPhen2, Align GVGD, REVEL). This sequence change does not appear to have been previously described in patients with ACD-related disorders. Due to the lack of sufficient evidences, the clinical significance of the p.Pro457Leu change remains unknown at this time.